The following is an entry in ClinVar:

ClinVar aggregate classification (germline): Uncertain significance (1 of 4 stars; one submission).

Conditions:
Hereditary cancer-predisposing syndrome. Also called: Neoplastic Syndromes, Hereditary; Tumor predisposition; Hereditary neoplastic syndrome; Hereditary Cancer Syndrome. Identifiers: Orphanet 140162, MedGen C0027672, MeSH D009386, MONDO:0015356.

Submission:

Ambry Genetics
Classification: Uncertain significance for Hereditary cancer-predisposing syndrome. Last evaluated: 2024-03-08. Review status: criteria provided, single submitter. Criteria: Ambry Variant Classification Scheme 2023. Collection method: clinical testing. Allele origin: germline.
Comment: The p.D159Y variant (also known as c.475G>T), located in coding exon 3 of the KIT gene, results from a G to T substitution at nucleotide position 475. The aspartic acid at codon 159 is replaced by tyrosine, an amino acid with highly dissimilar properties. This amino acid position is conserved. In addition, the in silico prediction for this alteration is inconclusive. Based on the available evidence, the clinical significance of this alteration remains unclear.

NM_000222.3(KIT):c.475G>T (p.Asp159Tyr)

Gene: KIT (KIT proto-oncogene, receptor tyrosine kinase; plus strand). Cytogenetic location: 4q12.
Variant type: single nucleotide variant.
Coding change: c.475G>T on transcript NM_000222.3 (MANE Select); coding-DNA position 475, G replaced by T.
Protein change: p.Asp159Tyr; replaces aspartic acid 159 with tyrosine.
Molecular consequence: missense variant.
Genome position (GRCh38, 1-based): chr4:54,698,421, G>T. VCF-style: chr4-54698421-G-T. GRCh37 (hg19) VCF-style: chr4-55564587-G-T.
Other names: c.475G>T, p.Asp159Tyr (NM_001093772.2, NM_001385284.1, NM_001385285.1 and 4 more transcripts); short protein forms D159Y.
Identifiers: ClinVar variation 3230685 (VCV003230685.1), dbSNP rs1720228389, ClinGen allele CA356897665.
Genomic context (GRCh38, chr4:54,698,421, plus strand): 5'-ACAGACCCAGAAGTGACCAATTATTCCCTCAAGGGGTGCCAGGGGAAGCCTCTTCCCAAG[G>T]ACTTGAGGTTTATTCCTGACCCCAAGGCGGGCATCATGATCAAAAGTGTGAAACGCGCCT-3'
Protein context (NP_000213.1, residues 149-169): KGCQGKPLPK[Asp159Tyr]LRFIPDPKAG